The following is an entry in ClinVar:

NM_000513.2(OPN1MW):c.892C>G (p.Pro298Ala)

Gene: OPN1MW (opsin 1, medium wave sensitive; plus strand). Cytogenetic location: Xq28.
Variant type: single nucleotide variant.
Coding change: c.892C>G on transcript NM_000513.2 (MANE Select); coding-DNA position 892, C replaced by G.
Protein change: p.Pro298Ala; replaces proline 298 with alanine.
Molecular consequence: missense variant.
Genome position (GRCh38, 1-based): chrX:154,193,555, C>G. VCF-style: chrX-154193555-C-G. GRCh37 (hg19) VCF-style: chrX-153459046-C-G.
Other names: short protein forms P298A.
Identifiers: ClinVar variation 3770853 (VCV003770853.13).

ClinVar aggregate classification (germline): Likely benign (1 of 4 stars; one submission).

gnomAD v4.1: 114 of 1,047,119 alleles (0.011%); highest among the groups gnomAD compares: African/African-American, 0.015%; 6 homozygotes.

Submission:

CeGaT Center for Human Genetics Tuebingen
Classification: Likely benign. Last evaluated: 2025-02-01. Review status: criteria provided, single submitter. Criteria: CeGaT Center For Human Genetics Tuebingen Variant Classification Criteria Version 2. Collection method: clinical testing. Allele origin: germline. Affected: yes. Observed: 1 variant allele.
Comment: OPN1MW: BP4, BS2